The following is an entry in ClinVar:

NM_033100.4(CDHR1):c.1535A>G (p.Tyr512Cys)

Gene: CDHR1 (cadherin related family member 1; plus strand). Cytogenetic location: 10q23.1.
Variant type: single nucleotide variant.
Coding change: c.1535A>G on transcript NM_033100.4 (MANE Select); coding-DNA position 1535, A replaced by G.
Protein change: p.Tyr512Cys; replaces tyrosine 512 with cysteine.
Molecular consequence: missense variant.
Genome position (GRCh38, 1-based): chr10:84,211,697, A>G. VCF-style: chr10-84211697-A-G. GRCh37 (hg19) VCF-style: chr10-85971453-A-G.
Other names: c.1535A>G, p.Tyr512Cys (NM_001171971.3); short protein forms Y512C.
Identifiers: ClinVar variation 1061889 (VCV001061889.10), dbSNP rs200497503, ClinGen allele CA5579969.

ClinVar aggregate classification (germline): Uncertain significance. Review status: criteria provided, multiple submitters, no conflicts (2 of 4 stars). 2 submissions from 2 submitters: Uncertain significance (2). Last evaluated 2025-02-03.

Allele frequency attached by ClinVar (database versions not stated): gnomAD exomes below 0.00001 and 0.00001; ExAC 0.00001; gnomAD 0.00002; 1000 Genomes Project 30x 0.00016; 1000 Genomes Project 0.00020.
gnomAD v4.1: 18 of 1,613,964 alleles (0.0011%); highest among the groups gnomAD compares: African/African-American, 0.0093%; no homozygotes.

Submissions (2):

Labcorp Genetics (formerly Invitae), Labcorp
Classification: Uncertain significance. Last evaluated: 2025-02-03. Review status: criteria provided, single submitter. Criteria: Invitae Variant Classification Sherloc (09022015). Collection method: clinical testing. Allele origin: germline.
Comment: This sequence change replaces tyrosine, which is neutral and polar, with cysteine, which is neutral and slightly polar, at codon 512 of the CDHR1 protein (p.Tyr512Cys). This variant is present in population databases (rs200497503, gnomAD 0.007%). This variant has not been reported in the literature in individuals affected with CDHR1-related conditions. ClinVar contains an entry for this variant (Variation ID: 1061889). Invitae Evidence Modeling of protein sequence and biophysical properties (such as structural, functional, and spatial information, amino acid conservation, physicochemical variation, residue mobility, and thermodynamic stability) indicates that this missense variant is not expected to disrupt CDHR1 protein function with a negative predictive value of 80%. In summary, the available evidence is currently insufficient to determine the role of this variant in disease. Therefore, it has been classified as a Variant of Uncertain Significance.

Blueprint Genetics
Classification: Uncertain significance. Last evaluated: 2022-11-24. Review status: criteria provided, single submitter. Criteria: ACMG Guidelines, 2015. Collection method: clinical testing. Allele origin: germline.